The following is an entry in ClinVar:

NM_002691.4(POLD1):c.2536_2541dup (p.Ser847_Leu848insAlaSer)

Gene: POLD1 (DNA polymerase delta 1, catalytic subunit; plus strand). Cytogenetic location: 19q13.33.
Variant type: Duplication.
Coding change: c.2536_2541dup on transcript NM_002691.4 (MANE Select); coding-DNA positions 2536 to 2541, 6 bases duplicated (GCCTCA; older notation c.2536_2541dupGCCTCA).
Protein change: p.Ser847_Leu848insAlaSer.
Molecular consequence: inframe insertion. On other transcripts: non-coding transcript variant (1).
Genome position (GRCh38, 1-based): chr19:50,414,962-50,414,967, GCCTCA duplicated. VCF-style (leftmost placement, unchanged base first): chr19-50414961-T-TGCCTCA. GRCh37 (hg19) VCF-style: chr19-50918218-T-TGCCTCA.
Other names: c.2536_2541dup, p.Ser847_Leu848insAlaSer (NM_001256849.1); c.2614_2619dup, p.Ser873_Leu874insAlaSer (NM_001308632.1).
Identifiers: ClinVar variation 2019108 (VCV002019108.4), dbSNP rs2039222077, ClinGen allele CA2340889560.

ClinVar aggregate classification (germline): Uncertain significance (1 of 4 stars; one submission).

Conditions:
POLD1-related polyposis and colorectal cancer syndrome (CRCS10). Also called: Colorectal cancer 10; COLORECTAL CANCER, SUSCEPTIBILITY TO, ON CHROMOSOME 19q; Colorectal cancer, susceptibility to, 10. Identifiers: Orphanet 220460, MedGen C2675481, MONDO:0012953, OMIM 612591.

Allele frequency attached by ClinVar (database versions not stated): TOPMed 0.00003.

Submission:

Labcorp Genetics (formerly Invitae), Labcorp
Classification: Uncertain significance for POLD1-related polyposis and colorectal cancer syndrome. Last evaluated: 2022-07-23. Review status: criteria provided, single submitter. Criteria: Invitae Variant Classification Sherloc (09022015). Collection method: clinical testing. Allele origin: germline.
Comment: In summary, the available evidence is currently insufficient to determine the role of this variant in disease. Therefore, it has been classified as a Variant of Uncertain Significance. This variant has not been reported in the literature in individuals affected with POLD1-related conditions. This variant is not present in population databases (gnomAD no frequency). This variant, c.2536_2541dup, results in the insertion of 2 amino acid(s) of the POLD1 protein (p.Ala846_Ser847dup), but otherwise preserves the integrity of the reading frame.